The following is an entry in ClinVar:

NM_003718.5(CDK13):c.730G>A (p.Glu244Lys)

Gene: CDK13 (cyclin dependent kinase 13; plus strand). Cytogenetic location: 7p14.1.
Variant type: single nucleotide variant.
Coding change: c.730G>A on transcript NM_003718.5 (MANE Select); coding-DNA position 730, G replaced by A.
Protein change: p.Glu244Lys; replaces glutamic acid 244 with lysine.
Molecular consequence: missense variant.
Genome position (GRCh38, 1-based): chr7:39,951,371, G>A. VCF-style: chr7-39951371-G-A. GRCh37 (hg19) VCF-style: chr7-39990970-G-A.
Other names: c.730G>A, p.Glu244Lys (NM_031267.4); short protein forms E244K.
Identifiers: ClinVar variation 1985678 (VCV001985678.6), dbSNP rs1379463131, ClinGen allele CA367310356.

ClinVar aggregate classification (germline): Conflicting classifications of pathogenicity. Review status: criteria provided, conflicting classifications (1 of 4 stars). 3 submissions from 3 submitters: Uncertain significance (2); Likely benign (1). Last evaluated 2025-10-20.

Conditions:
Inborn genetic diseases. Identifiers: MedGen C0950123, MeSH D030342.

Allele frequency attached by ClinVar (database versions not stated): gnomAD 0.00001; TOPMed 0.00001.

Submissions (3):

Labcorp Genetics (formerly Invitae), Labcorp
Classification: Uncertain significance. Last evaluated: 2025-10-20. Review status: criteria provided, single submitter. Criteria: Invitae Variant Classification Sherloc (09022015). Collection method: clinical testing. Allele origin: germline.
Comment: This sequence change replaces glutamic acid, which is acidic and polar, with lysine, which is basic and polar, at codon 244 of the CDK13 protein (p.Glu244Lys). The frequency data for this variant in the population databases is considered unreliable, as metrics indicate poor data quality at this position in the gnomAD database. This variant has not been reported in the literature in individuals affected with CDK13-related conditions. ClinVar contains an entry for this variant (Variation ID: 1985678). Invitae Evidence Modeling of protein sequence and biophysical properties (such as structural, functional, and spatial information, amino acid conservation, physicochemical variation, residue mobility, and thermodynamic stability) indicates that this missense variant is not expected to disrupt CDK13 protein function with a negative predictive value of 95%. In summary, the available evidence is currently insufficient to determine the role of this variant in disease. Therefore, it has been classified as a Variant of Uncertain Significance.

Ambry Genetics
Classification: Uncertain significance for Inborn genetic diseases. Last evaluated: 2022-10-25. Review status: criteria provided, single submitter. Criteria: Ambry Variant Classification Scheme 2023. Collection method: clinical testing. Allele origin: germline.

Blueprint Genetics
Classification: Likely benign. Last evaluated: 2021-12-15. Review status: criteria provided, single submitter. Criteria: ACMG Guidelines, 2015. Collection method: clinical testing. Allele origin: germline.